The following is an entry in ClinVar:

NM_024301.5(FKRP):c.1192G>A (p.Val398Ile)

Gene: FKRP (fukutin related protein; plus strand). Cytogenetic location: 19q13.32.
Variant type: single nucleotide variant.
Coding change: c.1192G>A on transcript NM_024301.5 (MANE Select); coding-DNA position 1192, G replaced by A.
Protein change: p.Val398Ile; replaces valine 398 with isoleucine.
Molecular consequence: missense variant.
Genome position (GRCh38, 1-based): chr19:46,756,642, G>A. VCF-style: chr19-46756642-G-A. GRCh37 (hg19) VCF-style: chr19-47259899-G-A.
Other names: c.1192G>A, p.Val398Ile (NM_001039885.3); c.1192G>A (NM_024301.4); short protein forms V398I.
Identifiers: ClinVar variation 1043904 (VCV001043904.14), dbSNP rs1471167981, ClinGen allele CA406496833.

ClinVar aggregate classification (germline): Uncertain significance. Review status: criteria provided, multiple submitters, no conflicts (2 of 4 stars). 4 submissions from 4 submitters: Uncertain significance (3). 1 of the submissions does not count toward it. Last evaluated 2025-11-23.

Conditions:
Cardiovascular phenotype. Identifiers: MedGen CN230736.
Muscular dystrophy-dystroglycanopathy (congenital with brain and eye anomalies), type A5. Also called: MUSCULAR DYSTROPHY-DYSTROGLYCANOPATHY (CONGENITAL WITH BRAIN AND EYE ANOMALIES), TYPE A, 5; WALKER-WARBURG SYNDROME OR MUSCLE-EYE-BRAIN DISEASE, FKRP-RELATED. Identifiers: Orphanet 588, Orphanet 899, MedGen C3150413, MONDO:0013157, OMIM 613153.
Autosomal recessive limb-girdle muscular dystrophy type 2I. Also called: MUSCULAR DYSTROPHY-DYSTROGLYCANOPATHY (LIMB-GIRDLE), TYPE C, 5; MUSCULAR DYSTROPHY, LIMB-GIRDLE, TYPE 2I; MUSCULAR DYSTROPHY-DYSTROGLYCANOPATHY, LIMB-GIRDLE, FRKP-RELATED. Identifiers: Orphanet 34515, MedGen C1846672, MONDO:0011787, OMIM 607155.
Muscular dystrophy-dystroglycanopathy type B5 (MDDGB5). Also called: MUSCULAR DYSTROPHY-DYSTROGLYCANOPATHY (CONGENITAL WITH OR WITHOUT IMPAIRED INTELLECTUAL DEVELOPMENT), TYPE B, 5; MUSCULAR DYSTROPHY, CONGENITAL, 1C; MUSCULAR DYSTROPHY, CONGENITAL, FKRP-RELATED. Identifiers: MedGen C1847759, MONDO:0011688, OMIM 606612.
Muscular dystrophy-dystroglycanopathy (congenital with brain and eye anomalies), type A1 (MDDGA1). Also called: Hydrocephalus, agyria and retinal dysplasia; Hard +/- E syndrome; Warburg syndrome; Chemke syndrome; Pagon syndrome; Cerebroocular dysgenesis. Identifiers: Orphanet 588, Orphanet 899, MedGen C4284790, MONDO:0009364, OMIM 236670.
Walker-Warburg congenital muscular dystrophy. Also called: Muscular dystrophy-dystroglycanopathy, type A; Walker-Warburg syndrome. Identifiers: Orphanet 899, MedGen C0265221, MONDO:0000171.

Allele frequency attached by ClinVar (database versions not stated): gnomAD exomes below 0.00001; gnomAD 0.00001; TOPMed 0.00001.
gnomAD v4.1: 3 of 1,613,224 alleles (0.00019%); highest among the groups gnomAD compares: Admixed American, 0.0017%; no homozygotes.

Submissions (4):

Ambry Genetics
Classification: Uncertain significance for Cardiovascular phenotype. Last evaluated: 2025-11-23. Review status: criteria provided, single submitter. Criteria: Ambry Variant Classification Scheme 2023. Collection method: clinical testing. Allele origin: germline.

Labcorp Genetics (formerly Invitae), Labcorp
Classification: Uncertain significance for Walker-Warburg congenital muscular dystrophy. Last evaluated: 2022-04-26. Review status: criteria provided, single submitter. Criteria: Invitae Variant Classification Sherloc (09022015). Collection method: clinical testing. Allele origin: germline.
Comment: This sequence change replaces valine, which is neutral and non-polar, with isoleucine, which is neutral and non-polar, at codon 398 of the FKRP protein (p.Val398Ile). This variant is not present in population databases (gnomAD no frequency). This variant has not been reported in the literature in individuals affected with FKRP-related conditions. ClinVar contains an entry for this variant (Variation ID: 1043904). Algorithms developed to predict the effect of missense changes on protein structure and function output the following: SIFT: "Tolerated"; PolyPhen-2: "Benign"; Align-GVGD: "Class C0". The isoleucine amino acid residue is found in multiple mammalian species, which suggests that this missense change does not adversely affect protein function. In summary, the available evidence is currently insufficient to determine the role of this variant in disease. Therefore, it has been classified as a Variant of Uncertain Significance.

Fulgent Genetics
Classification: Uncertain significance for Muscular dystrophy-dystroglycanopathy (congenital with brain and eye anomalies), type A1; Muscular dystrophy-dystroglycanopathy type B5; Autosomal recessive limb-girdle muscular dystrophy type 2I; Muscular dystrophy-dystroglycanopathy (congenital with brain and eye anomalies), type A5. Last evaluated: 2021-07-28. Review status: criteria provided, single submitter. Criteria: ACMG Guidelines, 2015. Collection method: clinical testing. Allele origin: unknown.

Natera, Inc.
Classification: Uncertain significance for Limb-girdle muscular dystrophy type 2I. Last evaluated: 2021-09-17. Review status: no assertion criteria provided. Collection method: clinical testing. Allele origin: germline. Not counted in ClinVar's aggregate classification.